The following is an entry in ClinVar:

NM_000059.4(BRCA2):c.9382C>T (p.Arg3128Ter)

Gene: BRCA2 (BRCA2 DNA repair associated; plus strand). Cytogenetic location: 13q13.1.
Variant type: single nucleotide variant.
Coding change: c.9382C>T on transcript NM_000059.4 (MANE Select); coding-DNA position 9382, C replaced by T.
Protein change: p.Arg3128Ter; replaces arginine 3128 with a stop codon.
Molecular consequence: nonsense.
Genome position (GRCh38, 1-based): chr13:32,394,814, C>T. VCF-style: chr13-32394814-C-T. GRCh37 (hg19) VCF-style: chr13-32968951-C-T.
Other names: p.R3128*:CGA>TGA; 9610C>T; short protein forms R3128*.
Identifiers: ClinVar variation 52826 (VCV000052826.116), dbSNP rs80359212, ClinGen allele CA026127.
Genomic context (GRCh38, chr13:32,394,814, plus strand): 5'-GACCTTAATGAGGACATTATTAAGCCTCATATGTTAATTGCTGCAAGCAACCTCCAGTGG[C>T]GACCAGAATCCAAATCAGGCCTTCTTACTTTATTTGCTGGAGATTTTTCTGTGTTTTCTG-3'

ClinVar aggregate classification (germline): Pathogenic. Review status: reviewed by expert panel (3 of 4 stars). 60 submissions from 57 submitters: Pathogenic (1). 59 of the submissions do not count toward it. Last evaluated 2016-04-22.
ClinVar aggregate classification (somatic clinical impact): Tier II - Potential (1 of 4 stars; one submission).

Conditions:
Inherited prostate cancer.
Inherited ovarian cancer (without breast cancer).
NICE approved PARP inhibitor treatment.
Pancreatic cancer, susceptibility to, 2. Identifiers: Orphanet 1333, MedGen C3150546, MONDO:0013235, OMIM 613347.
Glioma susceptibility 3 (GLM3). Also called: Glioblastoma 3. Identifiers: Orphanet 182067, Orphanet 360, MedGen C2751641, MONDO:0013093, OMIM 613029.
Familial prostate cancer. Also called: Hereditary Prostate Cancer. Identifiers: MedGen C2931456, MONDO:0700275, OMIM 176807.
Breast-ovarian cancer, familial, susceptibility to, 2 (BROVCA2). Also called: BRCA2 Hereditary Breast and Ovarian Cancer. Identifiers: Orphanet 145, MedGen C2675520, MONDO:0012933, OMIM 612555. Disease mechanism: loss of function.
Fanconi anemia complementation group D1. Also called: BRCA2-Related Fanconi Anemia. Identifiers: Orphanet 319462, MedGen C1838457, MONDO:0011584, OMIM 605724.
Medulloblastoma (MDB). Also called: Medulloblastoma, somatic; MEDULLOBLASTOMA PREDISPOSITION SYNDROME. Identifiers: Orphanet 616, MedGen C0025149, MeSH D008527, MONDO:0007959, OMIM 155255, HP:0002885.
Wilms tumor 1 (WT1). Also called: Wilms tumor, somatic. Identifiers: Orphanet 654, MedGen CN033288, MONDO:0008679, OMIM 194070.
Familial cancer of breast. Also called: BREAST CANCER, FAMILIAL; hereditary breast carcinoma; Hereditary breast cancer. Identifiers: Orphanet 227535, MedGen C0346153, MONDO:0016419, OMIM 114480. Disease mechanism: loss of function.
BRCA2-related cancer predisposition. Identifiers: MedGen CN377758, MONDO:0700269.
BRCA2-related disorder. Also called: BRCA2-related condition; BRCA2-related disorders. Identifiers: MedGen CN239275.
Prostate cancer. Also called: Malignant tumor of prostate. Identifiers: Orphanet 1331, MedGen C0376358, MONDO:0008315, HP:0012125.
Breast and/or ovarian cancer. Identifiers: MedGen CN221562.
Hereditary cancer-predisposing syndrome. Also called: Neoplastic Syndromes, Hereditary; Tumor predisposition; Hereditary Cancer Syndrome; Hereditary neoplastic syndrome. Identifiers: Orphanet 140162, MedGen C0027672, MeSH D009386, MONDO:0015356.
Breast neoplasm. Also called: Breast Neoplasms; Neoplasm of breast; Breast tumor; Neoplasm of the breast. Identifiers: MedGen C1458155, MeSH D001943, MONDO:0021100, HP:0100013. Disease mechanism: gain of function.
Gastric cancer. Also called: Malignant tumor of stomach; Stomach cancer. Identifiers: MedGen C0024623, MeSH D013274, MONDO:0001056, OMIM 613659, HP:0012126.
Hereditary breast ovarian cancer syndrome. Also called: Breast and ovarian cancer; Hereditary breast and ovarian cancer; Hereditary breast and ovarian cancer syndrome (HBOC); Hereditary breast and ovarian cancer syndrome; BRCA1- and BRCA2-Associated Hereditary Breast and Ovarian Cancer; Hereditary breast and/or ovarian cancer syndrome. Identifiers: Orphanet 145, MedGen C0677776, MeSH D061325, MONDO:0003582. Disease mechanism: loss of function.
Colon adenocarcinoma. Also called: Colonic adenocarcinoma; Adenocarcinoma of the colon. Identifiers: MedGen C0338106, MONDO:0002271, HP:0040276.

Allele frequency attached by ClinVar (database versions not stated): gnomAD exomes 0.00001; TOPMed 0.00001; ExAC 0.00002; gnomAD 0.00004.
gnomAD v4.1: 18 of 1,613,968 alleles (0.0011%); highest among the groups gnomAD compares: African/African-American, 0.008%; no homozygotes.

Submissions 1 to 9 of 61:

Evidence-based Network for the Interpretation of Germline Mutant Alleles (ENIGMA)
Classification: Pathogenic for Breast-ovarian cancer, familial, susceptibility to, 2. Last evaluated: 2016-04-22. Review status: reviewed by expert panel. Criteria: ENIGMA BRCA1/2 Classification Criteria (2015). Collection method: curation. Allele origin: germline.
Comment: Variant allele predicted to encode a truncated non-functional protein.

Genomics and Molecular Medicine Service, East Genomic Laboratory Hub, NHS Genomic Medicine Service
Classification: Pathogenic for Inherited prostate cancer. Last evaluated: 2026-08-05. Review status: criteria provided, single submitter. Criteria: ACGS Best Practice Guidelines for Variant Classification in Rare Disease 2020. Collection method: clinical testing. Allele origin: germline. Affected: yes. Not counted in ClinVar's aggregate classification.
Comment: PVS1,PS4_Very Strong,PM5_Strong

PreventionGenetics, part of Exact Sciences
Classification: Pathogenic for BRCA2-related condition. Last evaluated: 2026-05-24. Review status: criteria provided, single submitter. Criteria: ACMG Guidelines, 2015. Collection method: clinical testing. Allele origin: germline. Not counted in ClinVar's aggregate classification.
Comment: The BRCA2 c.9382C>T variant is predicted to result in premature protein termination (p.Arg3128*). This variant has been reported in multiple individuals affected with breast, ovarian, and prostate cancer (Edwards et al. 2010. PubMed ID: 20736950; Leongamornlert et al. 2014. PubMed ID: 24556621; Natarajan et al. 2016. PubMed ID: 27831900; Sun et al. 2017. PubMed ID: 28724667; Gabaldó Barrios. 2017. PubMed ID: 28477318). This variant is reported in 0.020% of alleles in individuals of African descent in gnomAD. Nonsense variants in BRCA2 are expected to be pathogenic, and this variant has been classified as pathogenic by an expert panel in ClinVar (Variation ID: 52826). Given the evidence, we interpret c.9382C>T (p.Arg3128*) as pathogenic.

Dasa
Classification: Pathogenic for Breast-ovarian cancer, familial, susceptibility to, 2. Last evaluated: 2026-04-07. Review status: criteria provided, single submitter. Criteria: DASA Assertion Criteria. Collection method: clinical testing. Allele origin: germline. Not counted in ClinVar's aggregate classification.
Comment: NM_000059.4(BRCA2):c.9382C>T (p.Arg3128*) introduces a premature termination codon predicted to result in loss of normal protein function. Loss-of-function is an established mechanism of disease for this gene. This variant has been reported in individuals with Breast-ovarian cancer, familial, susceptibility to, 2. The variant is present at low frequency in population datasets. Based on the available data, this variant is classified as pathogenic.

Labcorp Genetics (formerly Invitae), Labcorp
Classification: Pathogenic for Hereditary breast ovarian cancer syndrome. Last evaluated: 2026-01-26. Review status: criteria provided, single submitter. Criteria: Invitae Variant Classification Sherloc (09022015). Collection method: clinical testing. Allele origin: germline. Not counted in ClinVar's aggregate classification.
Comment: This sequence change creates a premature translational stop signal (p.Arg3128*) in the BRCA2 gene. It is expected to result in an absent or disrupted protein product. Loss-of-function variants in BRCA2 are known to be pathogenic (PMID: 20104584). This variant is present in population databases (rs80359212, gnomAD 0.02%). This premature translational stop signal has been observed in individual(s) with breast cancer, ovarian cancer, and prostate cancer (PMID: 10978364, 11400546, 15168169, 16683254, 16905680, 20736950, 24156927, 24556621, 24728189, 24916970). This variant is also known as 9610C>T. ClinVar contains an entry for this variant (Variation ID: 52826). For these reasons, this variant has been classified as Pathogenic.

Cambridge Genomics Laboratory, East Genomic Laboratory Hub, NHS Genomic Medicine Service
Classification: Pathogenic for Inherited ovarian cancer (without breast cancer). Last evaluated: 2025-09-12. Review status: criteria provided, single submitter. Criteria: ACGS Best Practice Guidelines for Variant Classification in Rare Disease 2020. Collection method: clinical testing. Allele origin: germline. Affected: yes. Not counted in ClinVar's aggregate classification.
Comment: PVS1,PM5_Strong

Molecular Diagnostics Laboratory, Catalan Institute of Oncology
Classification: Pathogenic for Hereditary cancer-predisposing syndrome. Last evaluated: 2025-08-25. Review status: criteria provided, single submitter. Criteria: ClinGen BRCA1BRCA2 ACMG Specifications BRCA2 V1.0.0. Collection method: clinical testing. Allele origin: germline. Not counted in ClinVar's aggregate classification.
Comment: PVS1, PM5_PTC_Strong c.9382C>T, located in exon 25 of the BRCA2 gene, is a nonsense variant expected to result in loss of function by premature protein truncation and nonsense-mediated mRNA decay (PVS1, PM5_PTC_Strong). This variant is found in 5/268265 alleles at a frequency of 0.0018% in the gnomAD v2.1.1 database, non-cancer dataset. The SpliceAI algorithm predicts no significant impact on splicing. Additional information has not been evaluated for this variant. It has been reported as a pathogenic variant in ClinVar, LOVD and BRCA Exchange. Based on the currently available evidence, c.9382C>T is classified as a pathogenic variant according to ClinGen-BRCA2 Guidelines v.1.

KCCC/NGS Laboratory, Kuwait Cancer Control Center
Classification: Pathogenic for Breast-ovarian cancer, familial, susceptibility to, 2. Last evaluated: 2025-08-04. Review status: criteria provided, single submitter. Criteria: ACMG Guidelines, 2015. Collection method: clinical testing. Allele origin: germline. Inheritance: Autosomal dominant inheritance. Affected: yes. Observed: 1 heterozygote. Not counted in ClinVar's aggregate classification.
Comment: This sequence change creates a premature translational stop signal (p.Arg3128*) in the BRCA2 gene. It is expected to result in an absent or disrupted protein product. Loss-of-function variants in BRCA2 are known to be pathogenic

GeneKor MSA
Classification: Pathogenic for Hereditary breast ovarian cancer syndrome. Last evaluated: 2025-06-25. Review status: criteria provided, single submitter. Criteria: ACMG Guidelines, 2015. Collection method: clinical testing. Allele origin: germline. Affected: yes. Not counted in ClinVar's aggregate classification.
Comment: This sequence change creates a premature translational stop signal p.(Arg3128*) in the BRCA2 gene. It is expected to result in an absent or disrupted protein product. Loss-of-function variants in BRCA2 are known to be pathogenic (PMID:20104584). This variant is present in population databases (rs80359212) and has been observed in individuals with breast cancer, ovarian cancer, and prostate cancer (PMID:10978364, 11400546, 15168169, 16683254, 16905680, 20736950, 24156927, 24556621, 24728189, 24916970). This variant is also known as 9610C>T. The mutation database ClinVar contains entries for this variant where it is listed as pathogenic (VCV000052826.99). Based on the classification criteria set by the ACMG and AMP (PMID:25741868) this variant has been classified as pathogenic.